The following is an entry in ClinVar:

NM_001846.4(COL4A2):c.3993C>T (p.Ser1331=)

Genes: COL4A2 (collagen type IV alpha 2 chain; plus strand), COL4A2-AS1 (COL4A2 antisense RNA 1; minus strand). Cytogenetic location: 13q34.
Variant type: single nucleotide variant.
Coding change: c.3993C>T on transcript NM_001846.4 (MANE Select); coding-DNA position 3993, C replaced by T.
Protein change: p.Ser1331=; no amino-acid change (serine 1331 retained).
Molecular consequence: synonymous variant.
Genome position (GRCh38, 1-based): chr13:110,503,236, C>T. VCF-style: chr13-110503236-C-T. GRCh37 (hg19) VCF-style: chr13-111155583-C-T.
Identifiers: ClinVar variation 793486 (VCV000793486.7), dbSNP rs754253271, ClinGen allele CA7050372.

ClinVar aggregate classification (germline): Likely benign. Review status: criteria provided, multiple submitters, no conflicts (2 of 4 stars). 2 submissions from 2 submitters: Likely benign (2). Last evaluated 2024-11-26.

Conditions:
COL4A2-related disorder. Also called: COL4A2-related disorders; COL4A2-related condition.

Allele frequency attached by ClinVar (database versions not stated): gnomAD 0.00002 and 0.00003; TOPMed 0.00003; ExAC 0.00008; gnomAD exomes 0.00008.
gnomAD v4.1: 57 of 1,613,378 alleles (0.0035%); highest among the groups gnomAD compares: South Asian, 0.037%; no homozygotes.

Submissions (2):

PreventionGenetics, part of Exact Sciences
Classification: Likely benign for COL4A2-related condition. Last evaluated: 2024-11-26. Review status: criteria provided, single submitter. Criteria: ACMG Guidelines, 2015. Collection method: clinical testing. Allele origin: germline.
Comment: This variant is classified as likely benign based on ACMG/AMP sequence variant interpretation guidelines (Richards et al. 2015 PMID: 25741868, with internal and published modifications).

Labcorp Genetics (formerly Invitae), Labcorp
Classification: Likely benign. Last evaluated: 2023-04-20. Review status: criteria provided, single submitter. Criteria: Invitae Variant Classification Sherloc (09022015). Collection method: clinical testing. Allele origin: germline.